The following is an entry in ClinVar:

ClinVar aggregate classification (germline): Pathogenic. Review status: reviewed by expert panel (3 of 4 stars). 2 submissions from 2 submitters: Pathogenic (1). 1 of the submissions does not count toward it. Last evaluated 2016-09-08.

Conditions:
Breast-ovarian cancer, familial, susceptibility to, 1 (BROVCA1). Also called: OVARIAN CANCER, SUSCEPTIBILITY TO; BRCA1 Hereditary Breast and Ovarian Cancer. Identifiers: Orphanet 145, MedGen C2676676, MONDO:0011450, OMIM 604370. Disease mechanism: loss of function.

Submissions (2):

Evidence-based Network for the Interpretation of Germline Mutant Alleles (ENIGMA)
Classification: Pathogenic for Breast-ovarian cancer, familial, susceptibility to, 1. Last evaluated: 2016-09-08. Review status: reviewed by expert panel. Criteria: ENIGMA BRCA1/2 Classification Criteria (2015). Collection method: curation. Allele origin: germline.
Comment: Variant allele predicted to encode a truncated non-functional protein.

Breast Cancer Information Core (BIC) (BRCA1)
Classification: Pathogenic for Breast-ovarian cancer, familial 1. Last evaluated: 2003-07-22. Review status: no assertion criteria provided. Collection method: clinical testing. Allele origin: germline. Affected: yes. Observed: 1 variant allele. Not counted in ClinVar's aggregate classification.

NM_007294.4(BRCA1):c.2675_2678del (p.Ser891_Leu892insTer)

Gene: BRCA1 (BRCA1 DNA repair associated; minus strand). Cytogenetic location: 17q21.31.
Variant type: Deletion.
Coding change: c.2675_2678del on transcript NM_007294.4 (MANE Select); coding-DNA positions 2675 to 2678, 4 bases deleted (TAAA; older notation c.2675_2678delTAAA).
Protein change: p.Ser891_Leu892insTer.
Molecular consequence: nonsense. On other transcripts: intron variant (137).
Genome position (GRCh38, 1-based): chr17:43,092,853-43,092,856, TTTA deleted on the plus strand (TAAA on the coding strand, the reverse complement: BRCA1 is on the minus strand). VCF-style (leftmost placement, unchanged base first): chr17-43092852-CTTTA-C. GRCh37 (hg19) VCF-style: chr17-41244869-CTTTA-C.
Other names: 2794del4; c.2672_2675del, p.Ser890_Leu891insTer (NM_001407860.1, NM_001407861.1, NM_001407587.1 and 22 more transcripts); c.2474_2477del, p.Ser824_Leu825insTer (NM_001407862.1); c.2552_2555del, p.Ser850_Leu851insTer (NM_001407863.1, NM_001407919.1, NM_001407937.1 and 19 more transcripts); c.2471_2474del, p.Ser823_Leu824insTer (NM_001407874.1, NM_001407875.1); c.2465_2468del, p.Ser821_Leu822insTer (NM_001407879.1, NM_001407881.1, NM_001407882.1 and 13 more transcripts); c.2462_2465del, p.Ser820_Leu821insTer (NM_001407894.1, NM_001407895.1, NM_001407896.1 and 9 more transcripts); c.2411_2414del, p.Ser803_Leu804insTer (NM_001407920.1, NM_001407921.1, NM_001407922.1 and 9 more transcripts); and 42 more.
Identifiers: ClinVar variation 54639 (VCV000054639.4), dbSNP rs80357518, ClinGen allele CA001751.